The following is an entry in ClinVar:

NM_000064.4(C3):c.908G>T (p.Ser303Ile)

Gene: C3 (complement C3; minus strand). Cytogenetic location: 19p13.3.
Variant type: single nucleotide variant.
Coding change: c.908G>T on transcript NM_000064.4 (MANE Select); coding-DNA position 908, G replaced by T.
Protein change: p.Ser303Ile; replaces serine 303 with isoleucine.
Molecular consequence: missense variant.
Genome position (GRCh38, 1-based): chr19:6,713,284, C>A on the plus strand (G>T on the coding strand, the complement: C3 is on the minus strand). VCF-style: chr19-6713284-C-A. GRCh37 (hg19) VCF-style: chr19-6713295-C-A.
Other names: short protein forms S303I.
Identifiers: ClinVar variation 3626852 (VCV003626852.2).
Genomic context (GRCh38, chr19:6,713,284, plus strand): 5'-GACTTCCCCACCAGGTCTTCTGCTCGGGGGTTCTGCACCCCGTCCAGCAGTACCTTCCGG[C>A]TCAGCACAACCTCCCCCGAGCCATCCTCAATCTGAGAAGGGAGAGGAGGGCTCAGAGAGG-3'
Protein context (NP_000055.2, residues 293-313): IEDGSGEVVL[Ser303Ile]RKVLLDGVQN

ClinVar aggregate classification (germline): Uncertain significance (1 of 4 stars; one submission).

gnomAD v4.1: 9 of 1,613,728 alleles (0.00056%); highest among the groups gnomAD compares: South Asian, 0.0099%; no homozygotes.

Submission:

Labcorp Genetics (formerly Invitae), Labcorp
Classification: Uncertain significance. Last evaluated: 2024-10-29. Review status: criteria provided, single submitter. Criteria: Invitae Variant Classification Sherloc (09022015). Collection method: clinical testing. Allele origin: germline.
Comment: This sequence change replaces serine, which is neutral and polar, with isoleucine, which is neutral and non-polar, at codon 303 of the C3 protein (p.Ser303Ile). This variant is present in population databases (rs551581582, gnomAD 0.01%). This variant has not been reported in the literature in individuals affected with C3-related conditions. Invitae Evidence Modeling of protein sequence and biophysical properties (such as structural, functional, and spatial information, amino acid conservation, physicochemical variation, residue mobility, and thermodynamic stability) indicates that this missense variant is not expected to disrupt C3 protein function with a negative predictive value of 80%. In summary, the available evidence is currently insufficient to determine the role of this variant in disease. Therefore, it has been classified as a Variant of Uncertain Significance.